The following is an entry in ClinVar:

NM_015338.6(ASXL1):c.1854A>C (p.Lys618Asn)

Gene: ASXL1 (ASXL transcriptional regulator 1; plus strand). Cytogenetic location: 20q11.21.
Variant type: single nucleotide variant.
Coding change: c.1854A>C on transcript NM_015338.6 (MANE Select); coding-DNA position 1854, A replaced by C.
Protein change: p.Lys618Asn; replaces lysine 618 with asparagine.
Molecular consequence: missense variant.
Genome position (GRCh38, 1-based): chr20:32,434,566, A>C. VCF-style: chr20-32434566-A-C. GRCh37 (hg19) VCF-style: chr20-31022369-A-C.
Other names: c.1671A>C, p.Lys557Asn (NM_001363734.1); short protein forms K557N, K618N.
Identifiers: ClinVar variation 4864498 (VCV004864498.1).

ClinVar aggregate classification (germline): Uncertain significance (1 of 4 stars; one submission).

Conditions:
Inborn genetic diseases. Identifiers: MedGen C0950123, MeSH D030342.

gnomAD v4.1: 3 of 1,613,622 alleles (0.00019%); highest among the groups gnomAD compares: African/African-American, 0.0027%; no homozygotes.

Submission:

Ambry Genetics
Classification: Uncertain significance for Inborn genetic diseases. Last evaluated: 2026-05-04. Review status: criteria provided, single submitter. Criteria: Ambry Variant Classification Scheme 2023. Collection method: clinical testing. Allele origin: germline.
Comment: The p.K618N variant (also known as c.1854A>C), located in coding exon 13 of the ASXL1 gene, results from an A to C substitution at nucleotide position 1854. The lysine at codon 618 is replaced by asparagine, an amino acid with similar properties. This amino acid position is conserved. In addition, this alteration is predicted to be tolerated by in silico analysis. Based on the available evidence, the clinical significance of this variant remains unclear.